The following is an entry in ClinVar:

ClinVar aggregate classification (germline): Pathogenic/Likely pathogenic. Review status: criteria provided, multiple submitters, no conflicts (2 of 4 stars). 2 submissions from 2 submitters: Pathogenic (1); Likely pathogenic (1). Last evaluated 2024-12-08.

Conditions:
TTC21B-related disorder. Also called: TTC21B-related disorders; TTC21B-related condition.
Jeune thoracic dystrophy. Also called: Jeune syndrome; Infantile thoracic dystrophy; Thoracic pelvic phalangeal dystrophy; Jeune's syndrome; Chondroectodermal dysplasia-like syndrome; Short-rib thoracic dysplasia. Identifiers: Orphanet 474, MedGen C0265275, MONDO:0018770.
Nephronophthisis. Also called: Juvenile Nephronophthisis. Identifiers: Orphanet 655, MedGen C0687120, MONDO:0019005, HP:0000090.

gnomAD v4.1: 1 of 1,613,992 alleles (0.000062%); highest among the groups gnomAD compares: Admixed American, 0.0017%; no homozygotes.

Submissions (2):

Labcorp Genetics (formerly Invitae), Labcorp
Classification: Pathogenic for Jeune thoracic dystrophy; Nephronophthisis. Last evaluated: 2024-12-08. Review status: criteria provided, single submitter. Criteria: Invitae Variant Classification Sherloc (09022015). Collection method: clinical testing. Allele origin: germline.
Comment: This sequence change creates a premature translational stop signal (p.Glu683*) in the TTC21B gene. It is expected to result in an absent or disrupted protein product. Loss-of-function variants in TTC21B are known to be pathogenic (PMID: 18327258, 21068128, 21258341, 23559409, 24876116, 25492405, 27491411, 29068549). This variant is not present in population databases (gnomAD no frequency). This variant has not been reported in the literature in individuals affected with TTC21B-related conditions. For these reasons, this variant has been classified as Pathogenic.

Blueprint Genetics
Classification: Likely pathogenic for TTC21B-related disorders. Last evaluated: 2024-04-25. Review status: criteria provided, single submitter. Criteria: ACMG Guidelines, 2015. Collection method: clinical testing. Allele origin: germline. Affected: yes. Observed: 1 variant allele.

Literature cited by the submitters: PubMed 18327258 (cited by Labcorp Genetics (formerly Invitae), Labcorp); PubMed 21068128 (cited by Labcorp Genetics (formerly Invitae), Labcorp); PubMed 21258341 (cited by Labcorp Genetics (formerly Invitae), Labcorp); PubMed 23559409 (cited by Labcorp Genetics (formerly Invitae), Labcorp); PubMed 24876116 (cited by Labcorp Genetics (formerly Invitae), Labcorp); PubMed 25492405 (cited by Labcorp Genetics (formerly Invitae), Labcorp); PubMed 27491411 (cited by Labcorp Genetics (formerly Invitae), Labcorp); PubMed 29068549 (cited by Labcorp Genetics (formerly Invitae), Labcorp).

NM_024753.5(TTC21B):c.2047G>T (p.Glu683Ter)

Gene: TTC21B (tetratricopeptide repeat domain 21B; minus strand). Cytogenetic location: 2q24.3.
Variant type: single nucleotide variant.
Coding change: c.2047G>T on transcript NM_024753.5 (MANE Select); coding-DNA position 2047, G replaced by T.
Protein change: p.Glu683Ter; replaces glutamic acid 683 with a stop codon.
Molecular consequence: nonsense.
Genome position (GRCh38, 1-based): chr2:165,915,292, C>A on the plus strand (G>T on the coding strand, the complement: TTC21B is on the minus strand). VCF-style: chr2-165915292-C-A. GRCh37 (hg19) VCF-style: chr2-166771802-C-A.
Other names: short protein forms E683*.
Identifiers: ClinVar variation 3760428 (VCV003760428.3).